The following is an entry in ClinVar:

NM_006267.5(RANBP2):c.2466+17C>T

Gene: RANBP2 (RAN binding protein 2; plus strand). Cytogenetic location: 2q13.
Variant type: single nucleotide variant.
Coding change: c.2466+17C>T on transcript NM_006267.5 (MANE Select); 17 bases into the intron after coding-DNA position 2466, C replaced by T.
Molecular consequence: intron variant.
Genome position (GRCh38, 1-based): chr2:108,755,276, C>T. VCF-style: chr2-108755276-C-T. GRCh37 (hg19) VCF-style: chr2-109371732-C-T.
Identifiers: ClinVar variation 382462 (VCV000382462.1), dbSNP rs760137862, ClinGen allele CA1822697.
Genomic context (GRCh38, chr2:108,755,276, plus strand): 5'-ATTCTTTACTGAAAATGATTTGCCAACAAGTAGAGGCCATTAAGGTAAGTCACTTAATTT[C>T]TCTAGCTGTACTTTTTATTCCAAGATTCCTTCCCTGGCCACTCTCTCACTTTTTTTCTGA-3'

ClinVar aggregate classification (germline): Likely benign (1 of 4 stars; one submission).

Allele frequency attached by ClinVar (database versions not stated): gnomAD exomes 0.00001; ExAC 0.00002; TOPMed 0.00012; gnomAD 0.00017 and 0.00018.
gnomAD v4.1: 35 of 1,611,520 alleles (0.0022%); highest among the groups gnomAD compares: African/African-American, 0.047%; no homozygotes.

Submission:

GeneDx
Classification: Likely benign. Last evaluated: 2016-01-27. Review status: criteria provided, single submitter. Criteria: GeneDx Variant Classification (06012015). Collection method: clinical testing. Allele origin: germline. Affected: yes.
Comment: This variant is considered likely benign or benign based on one or more of the following criteria: it is a conservative change, it occurs at a poorly conserved position in the protein, it is predicted to be benign by multiple in silico algorithms, and/or has population frequency not consistent with disease.